The following is an entry in ClinVar:

NM_000548.5(TSC2):c.3119C>T (p.Ala1040Val)

Gene: TSC2 (TSC complex subunit 2; plus strand). Cytogenetic location: 16p13.3.
Variant type: single nucleotide variant.
Coding change: c.3119C>T on transcript NM_000548.5 (MANE Select); coding-DNA position 3119, C replaced by T.
Protein change: p.Ala1040Val; replaces alanine 1040 with valine.
Molecular consequence: missense variant.
Genome position (GRCh38, 1-based): chr16:2,079,184, C>T. VCF-style: chr16-2079184-C-T. GRCh37 (hg19) VCF-style: chr16-2129185-C-T.
Other names: c.2990C>T, p.Ala997Val (NM_001363528.2, NM_001370405.1, NM_021055.3); c.2987C>T, p.Ala996Val (NM_001370404.1, NM_001077183.3); c.2843C>T, p.Ala948Val (NM_001318829.2); c.2387C>T, p.Ala796Val (NM_001318831.2); c.3020C>T, p.Ala1007Val (NM_001318832.2); c.3119C>T, p.Ala1040Val (NM_001114382.3); c.2879C>T, p.Ala960Val (NM_001318827.2); short protein forms A1007V, A1040V, A796V, A948V, A960V, A996V, A997V.
Identifiers: ClinVar variation 1331726 (VCV001331726.17), dbSNP rs2089807202, ClinGen allele CA394284917.

ClinVar aggregate classification (germline): Uncertain significance. Review status: criteria provided, multiple submitters, no conflicts (2 of 4 stars). 7 submissions from 7 submitters: Uncertain significance (7). Last evaluated 2025-09-26.

Conditions:
Tuberous sclerosis 2 (TSC2). Identifiers: Orphanet 805, MedGen C1860707, MONDO:0013199, OMIM 613254.
Hereditary cancer-predisposing syndrome. Also called: Hereditary Cancer Syndrome; Hereditary neoplastic syndrome; Neoplastic Syndromes, Hereditary; Tumor predisposition. Identifiers: Orphanet 140162, MedGen C0027672, MeSH D009386, MONDO:0015356.
Tuberous sclerosis syndrome (TSC). Also called: Tuberous sclerosis; Tuberous Sclerosis Complex. Identifiers: Orphanet 805, MedGen C0041341, MONDO:0001734.

Allele frequency attached by ClinVar (database versions not stated): TOPMed below 0.00001; gnomAD 0.00001.
gnomAD v4.1: 1 of 1,612,846 alleles (0.000062%); highest among the groups gnomAD compares: African/African-American, 0.0013%; no homozygotes.

Submissions (7):

Ambry Genetics
Classification: Uncertain significance for Hereditary cancer-predisposing syndrome. Last evaluated: 2025-09-26. Review status: criteria provided, single submitter. Criteria: Ambry Variant Classification Scheme 2023. Collection method: clinical testing. Allele origin: germline.
Comment: The p.A1040V variant (also known as c.3119C>T), located in coding exon 26 of the TSC2 gene, results from a C to T substitution at nucleotide position 3119. The alanine at codon 1040 is replaced by valine, an amino acid with similar properties. This amino acid position is highly conserved in available vertebrate species. In addition, this alteration is predicted to be deleterious by in silico analysis. Since supporting evidence is limited at this time, the clinical significance of this alteration remains unclear.

St. Jude Molecular Pathology, St. Jude Children's Research Hospital
Classification: Uncertain significance for Tuberous sclerosis 2. Last evaluated: 2025-02-05. Review status: criteria provided, single submitter. Criteria: St. Jude Assertion Criteria 2020. Collection method: clinical testing. Allele origin: germline.
Comment: The TSC2 c.3119C>T (p.Ala1040Val) missense change is absent in gnomAD v2.1.1. The in silico tool REVEL is inconclusive about a pathogenic or benign effect of this variant on protein function, and to our knowledge functional studies have not been performed. To our knowledge, this variant has not been reported in individuals with tuberous sclerosis complex. In summary, the evidence currently available is insufficient to determine the clinical significance of this variant. It has therefore been classified as of uncertain significance.

Quest Diagnostics Nichols Institute San Juan Capistrano
Classification: Uncertain significance. Last evaluated: 2023-10-12. Review status: criteria provided, single submitter. Criteria: Quest Diagnostics criteria. Collection method: clinical testing. Allele origin: unknown.

All of Us Research Program, National Institutes of Health
Classification: Uncertain significance for Tuberous sclerosis syndrome. Last evaluated: 2023-04-27. Review status: criteria provided, single submitter. Criteria: ACMG Guidelines, 2015. Collection method: clinical testing. Allele origin: germline. Inheritance: Autosomal dominant inheritance. Observed: 1 variant allele, 1 heterozygote.
Comment: This study involves interpretation of variants in research participants for the purpose of population health screening. Participant phenotype was not available at the time of variant classification. Additional details can be found in publication PMID: 35346344, PMCID: PMC8962531

GeneDx
Classification: Uncertain significance. Last evaluated: 2023-02-28. Review status: criteria provided, single submitter. Criteria: GeneDx Variant Classification Process June 2021. Collection method: clinical testing. Allele origin: germline. Affected: yes.
Comment: Not observed at significant frequency in large population cohorts (gnomAD); In silico analysis supports that this missense variant has a deleterious effect on protein structure/function; Has not been previously published as pathogenic or benign to our knowledge; In silico analysis suggests this variant may impact gene splicing. In the absence of RNA/functional studies, the actual effect of this sequence change is unknown.

Labcorp Genetics (formerly Invitae), Labcorp
Classification: Uncertain significance for Tuberous sclerosis 2. Last evaluated: 2022-11-20. Review status: criteria provided, single submitter. Criteria: Invitae Variant Classification Sherloc (09022015). Collection method: clinical testing. Allele origin: germline.
Comment: In summary, the available evidence is currently insufficient to determine the role of this variant in disease. Therefore, it has been classified as a Variant of Uncertain Significance. Algorithms developed to predict the effect of sequence changes on RNA splicing suggest that this variant may create or strengthen a splice site. Advanced modeling of protein sequence and biophysical properties (such as structural, functional, and spatial information, amino acid conservation, physicochemical variation, residue mobility, and thermodynamic stability) performed at Invitae indicates that this missense variant is not expected to disrupt TSC2 protein function. ClinVar contains an entry for this variant (Variation ID: 1331726). This variant has not been reported in the literature in individuals affected with TSC2-related conditions. This variant is not present in population databases (gnomAD no frequency). This sequence change replaces alanine, which is neutral and non-polar, with valine, which is neutral and non-polar, at codon 1040 of the TSC2 protein (p.Ala1040Val).

Johns Hopkins Genomics, Johns Hopkins University
Classification: Uncertain significance for Tuberous sclerosis 2. Last evaluated: 2021-09-16. Review status: criteria provided, single submitter. Criteria: ACMG Guidelines, 2015. Collection method: clinical testing. Allele origin: germline.
Comment: This TSC2 variant is absent from a large population dataset and has not been reported in ClinVar nor the literature, to our knowledge. Three bioinformatic tools queried predict that this substitution would be damaging and the alanine residue at this position is evolutionarily conserved across most species assessed. We consider the clinical significance of TSC2 c.3119C>T to be uncertain at this time.

Literature cited by the submitters: PubMed 32555378 (cited by Johns Hopkins Genomics, Johns Hopkins University).